The following is an entry in ClinVar:

NM_000460.4(THPO):c.-7G>A

Gene: THPO (thrombopoietin; minus strand). Cytogenetic location: 3q27.1.
Variant type: single nucleotide variant.
Coding change: c.-7G>A on transcript NM_000460.4 (MANE Select); 7 bases upstream of the start codon, G replaced by A.
Molecular consequence: 5 prime UTR variant. On other transcripts: synonymous variant (1).
Genome position (GRCh38, 1-based): chr3:184,376,266, C>T on the plus strand (G>A on the coding strand, the complement: THPO is on the minus strand). VCF-style: chr3-184376266-C-T. GRCh37 (hg19) VCF-style: chr3-184094054-C-T.
Other names: c.-7G>A (NM_001177597.2, NM_001177598.2, NM_001289997.1 and 5 more transcripts); c.414G>A, p.Pro138= (NM_001290003.1).
Identifiers: ClinVar variation 1314539 (VCV001314539.26), dbSNP rs140178375, ClinGen allele CA2735098.

ClinVar aggregate classification (germline): Conflicting classifications of pathogenicity. Review status: criteria provided, conflicting classifications (1 of 4 stars). 3 submissions from 3 submitters: Uncertain significance (1); Likely benign (1). 1 of the submissions does not count toward it. Last evaluated 2023-11-01.

Conditions:
THPO-related disorder. Also called: THPO-related condition.

Allele frequency attached by ClinVar (database versions not stated): ESP Exome Variant Server 0.00008; gnomAD exomes 0.00008; ExAC 0.00009; gnomAD 0.00009; TOPMed 0.00010; 1000 Genomes Project 0.00060; 1000 Genomes Project 30x 0.00078.
gnomAD v4.1: 75 of 1,614,148 alleles (0.0046%); highest among the groups gnomAD compares: African/African-American, 0.024%; no homozygotes.

Submissions (3):

CeGaT Center for Human Genetics Tuebingen
Classification: Likely benign. Last evaluated: 2023-11-01. Review status: criteria provided, single submitter. Criteria: CeGaT Center For Human Genetics Tuebingen Variant Classification Criteria Version 2. Collection method: clinical testing. Allele origin: germline. Affected: yes. Observed: 1 variant allele.
Comment: THPO: BP4, BP7

GeneDx
Classification: Uncertain significance. Last evaluated: 2021-04-13. Review status: criteria provided, single submitter. Criteria: GeneDx Variant Classification Process June 2021. Collection method: clinical testing. Allele origin: germline. Affected: yes.
Comment: In silico analysis supports that this variant does not alter splicing; Has not been previously published as pathogenic or benign to our knowledge

PreventionGenetics, part of Exact Sciences
Classification: Likely benign for THPO-related condition. Last evaluated: 2020-12-03. Review status: no assertion criteria provided. Collection method: clinical testing. Allele origin: germline. Not counted in ClinVar's aggregate classification.
Comment: This variant is classified as likely benign based on ACMG/AMP sequence variant interpretation guidelines (Richards et al. 2015 PMID: 25741868, with internal and published modifications).